The following is an entry in ClinVar:

ClinVar aggregate classification (germline): Uncertain significance (1 of 4 stars; one submission).

Allele frequency attached by ClinVar (database versions not stated): TOPMed 0.00002.

Submission:

GeneDx
Classification: Uncertain significance. Last evaluated: 2023-09-05. Review status: criteria provided, single submitter. Criteria: GeneDx Variant Classification Process June 2021. Collection method: clinical testing. Allele origin: germline. Affected: yes.
Comment: Not observed in large population cohorts (gnomAD); In silico analysis suggests this variant may impact gene splicing. In the absence of RNA/functional studies, the actual effect of this sequence change is unknown.; Has not been previously published as pathogenic or benign to our knowledge

NM_198904.4(GABRG2):c.1257C>T (p.Gly419=)

Gene: GABRG2 (gamma-aminobutyric acid type A receptor subunit gamma2; plus strand). Cytogenetic location: 5q34.
Variant type: single nucleotide variant.
Coding change: c.1257C>T on transcript NM_198904.4 (MANE Select); coding-DNA position 1257, C replaced by T.
Protein change: p.Gly419=; no amino-acid change (glycine 419 retained).
Molecular consequence: synonymous variant. On other transcripts: 3 prime UTR variant (1).
Genome position (GRCh38, 1-based): chr5:162,153,197, C>T. VCF-style: chr5-162153197-C-T. GRCh37 (hg19) VCF-style: chr5-161580203-C-T.
Other names: c.1233C>T, p.Gly411= (NM_000816.3); c.1248C>T, p.Gly416= (NM_001375339.1); c.*91C>T (NM_001375340.1); c.1254C>T, p.Gly418= (NM_001375341.1); c.1230C>T, p.Gly410= (NM_001375342.1); c.1353C>T, p.Gly451= (NM_001375343.1); c.1296C>T, p.Gly432= (NM_001375344.1); c.1167C>T, p.Gly389= (NM_001375345.1); and 6 more.
Identifiers: ClinVar variation 1311446 (VCV001311446.4), dbSNP rs1414655532, ClinGen allele CA447691787.